The following is an entry in ClinVar:

NM_001267550.2(TTN):c.48461-2A>C

Genes: TTN-AS1 (TTN antisense RNA 1; plus strand), TTN (titin; minus strand). Cytogenetic location: 2q31.2.
Variant type: single nucleotide variant.
Coding change: c.48461-2A>C on transcript NM_001267550.2 (MANE Select); the canonical splice acceptor site of the intron before coding-DNA position 48461, A replaced by C.
Molecular consequence: splice acceptor variant.
Genome position (GRCh38, 1-based): chr2:178,615,486, T>G on the plus strand (A>C on the coding strand, the complement: TTN is on the minus strand). VCF-style: chr2-178615486-T-G. GRCh37 (hg19) VCF-style: chr2-179480213-T-G.
Other names: c.21266-2A>C (NM_003319.4); c.21842-2A>C (NM_133437.4); c.21641-2A>C (NM_133432.3); c.40757-2A>C (NM_133378.4); c.43538-2A>C (NM_001256850.1).
Identifiers: ClinVar variation 535058 (VCV000535058.1), dbSNP rs1553705079, ClinGen allele CA349609475.

ClinVar aggregate classification (germline): Likely pathogenic (1 of 4 stars; one submission).

Conditions:
Autosomal recessive limb-girdle muscular dystrophy type 2J (LGMDR10). Also called: Limb-girdle muscular dystrophy, type 2J; MUSCULAR DYSTROPHY, LIMB-GIRDLE, AUTOSOMAL RECESSIVE 10. Identifiers: Orphanet 140922, MedGen C1837342, MONDO:0012127, OMIM 608807.
Dilated cardiomyopathy 1G (CMD1G). Identifiers: Orphanet 154, MedGen C1858763, MONDO:0011400, OMIM 604145.

Submission:

Labcorp Genetics (formerly Invitae), Labcorp
Classification: Likely pathogenic for Dilated cardiomyopathy 1G; Autosomal recessive limb-girdle muscular dystrophy type 2J. Last evaluated: 2017-12-28. Review status: criteria provided, single submitter. Criteria: Invitae Variant Classification Sherloc (09022015). Collection method: clinical testing. Allele origin: germline.
Comment: This sequence change affects an acceptor splice site in intron 258 of the TTN gene. It is expected to disrupt RNA splicing and likely results in an absent or disrupted protein product. This variant is not present in population databases (ExAC no frequency). This variant has not been reported in the literature in individuals with TTN-related disease. This variant is found in the A-band of this gene. While this particular variant has not been reported in the literature, truncating variants in the A-band of TTN are significantly overrepresented in patients with dilated cardiomyopathy and are considered to be likely pathogenic for the disease (PMID: 25589632). Donor and acceptor splice site variants typically lead to a loss of protein function (PMID: 16199547), and loss-of-function variants in TTN are known to be pathogenic (PMID: 17444505, 22335739, 23975875, 24395473). In summary, the currently available evidence indicates that the variant is pathogenic, but additional data are needed to prove that conclusively. Therefore, this variant has been classified as Likely Pathogenic.

Literature cited by the submitters: PubMed 17444505; PubMed 25589632; PubMed 23975875; PubMed 22335739; PubMed 24395473.